The following is an entry in ClinVar:

NM_005359.6(SMAD4):c.788-3T>C

Gene: SMAD4 (SMAD family member 4; plus strand). Cytogenetic location: 18q21.2.
Variant type: single nucleotide variant.
Coding change: c.788-3T>C on transcript NM_005359.6 (MANE Select); 3 bases into the intron before coding-DNA position 788, T replaced by C.
Molecular consequence: intron variant.
Genome position (GRCh38, 1-based): chr18:51,058,337, T>C. VCF-style: chr18-51058337-T-C. GRCh37 (hg19) VCF-style: chr18-48584707-T-C.
Identifiers: ClinVar variation 529906 (VCV000529906.14), dbSNP rs1555685949, ClinGen allele CA658799060.

ClinVar aggregate classification (germline): Conflicting classifications of pathogenicity. Review status: criteria provided, conflicting classifications (1 of 4 stars). 3 submissions from 3 submitters: Uncertain significance (2); Likely benign (1). Last evaluated 2025-03-20.

Conditions:
Hereditary cancer-predisposing syndrome. Also called: Hereditary neoplastic syndrome; Tumor predisposition; Neoplastic Syndromes, Hereditary; Hereditary Cancer Syndrome. Identifiers: Orphanet 140162, MedGen C0027672, MeSH D009386, MONDO:0015356.
Familial thoracic aortic aneurysm and aortic dissection (TAAD). Also called: Thoracic aortic aneurysms and dissections. Identifiers: Orphanet 91387, MedGen C4707243, MONDO:0019625.
Juvenile polyposis syndrome (JPS). Identifiers: Orphanet 2929, MedGen C0345893, MONDO:0017380, OMIM 174900.
Juvenile polyposis/hereditary hemorrhagic telangiectasia syndrome (JPHT). Also called: Juvenile Polyposis Syndrome / Hereditary Hemorrhagic Telangiectasia (JPS/HHT); JP/HHT SYNDROME; JUVENILE POLYPOSIS WITH HEREDITARY HEMORRHAGIC TELANGIECTASIA; POLYPOSIS, GENERALIZED JUVENILE, WITH PULMONARY ARTERIOVENOUS MALFORMATION; TELANGIECTASIA, HEREDITARY HEMORRHAGIC, WITH JUVENILE POLYPOSIS COLI. Identifiers: Orphanet 2929, MedGen C1832942, MONDO:0008278, OMIM 175050.

Submissions (3):

Myriad Genetics, Inc.
Classification: Likely benign for Juvenile polyposis/hereditary hemorrhagic telangiectasia syndrome. Last evaluated: 2025-03-20. Review status: criteria provided, single submitter. Criteria: Myriad Autosomal Dominant, Autosomal Recessive and X-Linked Classification Criteria (2023). Collection method: clinical testing. Allele origin: unknown.
Comment: This variant is considered likely benign. This variant is intronic and is not expected to impact mRNA splicing.

Ambry Genetics
Classification: Uncertain significance for Hereditary cancer-predisposing syndrome; Familial thoracic aortic aneurysm and aortic dissection. Last evaluated: 2024-07-25. Review status: criteria provided, single submitter. Criteria: Ambry Variant Classification Scheme 2023. Collection method: clinical testing. Allele origin: germline.
Comment: The c.788-3T>C intronic variant results from a T to C substitution 3 nucleotides upstream from coding exon 6 in the SMAD4 gene. This nucleotide position is well conserved in available vertebrate species. In silico splice site analysis predicts that this alteration will not have any significant effect on splicing. Based on the available evidence, the clinical significance of this variant remains unclear.

Labcorp Genetics (formerly Invitae), Labcorp
Classification: Uncertain significance for Juvenile polyposis syndrome. Last evaluated: 2022-06-08. Review status: criteria provided, single submitter. Criteria: Invitae Variant Classification Sherloc (09022015). Collection method: clinical testing. Allele origin: germline.
Comment: In summary, the available evidence is currently insufficient to determine the role of this variant in disease. Therefore, it has been classified as a Variant of Uncertain Significance. Variants that disrupt the consensus splice site are a relatively common cause of aberrant splicing (PMID: 17576681, 9536098). Algorithms developed to predict the effect of sequence changes on RNA splicing suggest that this variant is not likely to affect RNA splicing. ClinVar contains an entry for this variant (Variation ID: 529906). This variant has not been reported in the literature in individuals affected with SMAD4-related conditions. This variant is not present in population databases (gnomAD no frequency). This sequence change falls in intron 6 of the SMAD4 gene. It does not directly change the encoded amino acid sequence of the SMAD4 protein. It affects a nucleotide within the consensus splice site.

Literature cited by the submitters: PubMed 17576681 (cited by Labcorp Genetics (formerly Invitae), Labcorp); PubMed 9536098 (cited by Labcorp Genetics (formerly Invitae), Labcorp).